The following is an entry in ClinVar:

NM_005751.5(AKAP9):c.5601+5C>T

Gene: AKAP9 (A-kinase anchoring protein 9; plus strand). Cytogenetic location: 7q21.2.
Variant type: single nucleotide variant.
Coding change: c.5601+5C>T on transcript NM_005751.5 (MANE Select); 5 bases into the intron after coding-DNA position 5601, C replaced by T.
Molecular consequence: intron variant.
Genome position (GRCh38, 1-based): chr7:92,052,963, C>T. VCF-style: chr7-92052963-C-T. GRCh37 (hg19) VCF-style: chr7-91682277-C-T.
Other names: c.5601+5C>T (NM_147185.3).
Identifiers: ClinVar variation 4887291 (VCV004887291.1).

ClinVar aggregate classification (germline): Uncertain significance (1 of 4 stars; one submission).

Submission:

Women's Health and Genetics/Laboratory Corporation of America, LabCorp
Classification: Uncertain significance. Last evaluated: 2026-06-12. Review status: criteria provided, single submitter. Criteria: LabCorp Variant Classification Summary - May 2015. Collection method: clinical testing. Allele origin: germline.
Comment: Variant summary: AKAP9 c.5601+5C>T alters a nucleotide located close to a canonical splice site and therefore could affect mRNA splicing, leading to a significantly altered protein sequence. Consensus agreement among computation tools predict no significant impact on normal splicing. However, these predictions have yet to be confirmed by functional studies. The variant was absent in 248566 control chromosomes. The available data on variant occurrences in the general population are insufficient to allow any conclusion about variant significance. To our knowledge, no occurrence of c.5601+5C>T in individuals affected with AKAP9-related conditions and no experimental evidence demonstrating its impact on protein function have been reported. No submitters have cited clinical-significance assessments for this variant to ClinVar. Based on the evidence outlined above, the variant was classified as uncertain significance.